The following is an entry in ClinVar:

ClinVar aggregate classification (germline): Uncertain significance (1 of 4 stars; one submission).

Conditions:
Xanthinuria type II. Also called: Xanthine dehydrogenase and aldehyde oxidase combined deficiency of; XDH and AOX dual deficiency. Identifiers: Orphanet 3467, Orphanet 93602, MedGen C1863688, MONDO:0011346, OMIM 603592.

Submission:

Labcorp Genetics (formerly Invitae), Labcorp
Classification: Uncertain significance for Xanthinuria type II. Last evaluated: 2025-01-01. Review status: criteria provided, single submitter. Criteria: Invitae Variant Classification Sherloc (09022015). Collection method: clinical testing. Allele origin: germline.
Comment: This sequence change replaces aspartic acid, which is acidic and polar, with tyrosine, which is neutral and polar, at codon 485 of the XDH protein (p.Asp485Tyr). This variant is not present in population databases (gnomAD no frequency). This variant has not been reported in the literature in individuals affected with XDH-related conditions. An algorithm developed to predict the effect of missense changes on protein structure and function (PolyPhen-2) suggests that this variant is likely to be disruptive. In summary, the available evidence is currently insufficient to determine the role of this variant in disease. Therefore, it has been classified as a Variant of Uncertain Significance.

NM_000379.4(XDH):c.1453G>T (p.Asp485Tyr)

Gene: XDH (xanthine dehydrogenase; minus strand). Cytogenetic location: 2p23.1.
Variant type: single nucleotide variant.
Coding change: c.1453G>T on transcript NM_000379.4 (MANE Select); coding-DNA position 1453, G replaced by T.
Protein change: p.Asp485Tyr; replaces aspartic acid 485 with tyrosine.
Molecular consequence: missense variant.
Genome position (GRCh38, 1-based): chr2:31,375,529, C>A on the plus strand (G>T on the coding strand, the complement: XDH is on the minus strand). VCF-style: chr2-31375529-C-A. GRCh37 (hg19) VCF-style: chr2-31598395-C-A.
Other names: short protein forms D485Y.
Identifiers: ClinVar variation 3697813 (VCV003697813.2).